The following is an entry in ClinVar:

ClinVar aggregate classification (germline): Pathogenic. Review status: criteria provided, multiple submitters, no conflicts (2 of 4 stars). 4 submissions from 4 submitters: Pathogenic (4). Last evaluated 2024-08-11.

Conditions:
Cardiovascular phenotype. Identifiers: MedGen CN230736.
Hereditary cancer-predisposing syndrome. Also called: Tumor predisposition; Hereditary Cancer Syndrome; Hereditary neoplastic syndrome; Neoplastic Syndromes, Hereditary. Identifiers: Orphanet 140162, MedGen C0027672, MeSH D009386, MONDO:0015356.
Neurofibromatosis, type 1 (NF1). Also called: VON RECKLINGHAUSEN DISEASE; NEUROFIBROMATOSIS, TYPE I, SOMATIC; Peripheral type neurofibromatosis; Neurofibromatosis, type I. Identifiers: Orphanet 636, MedGen C0027831, MONDO:0018975, OMIM 162200. Disease mechanism: loss of function.

Submissions (4):

Ambry Genetics
Classification: Pathogenic for Cardiovascular phenotype; Hereditary cancer-predisposing syndrome. Last evaluated: 2024-08-11. Review status: criteria provided, single submitter. Criteria: Ambry Variant Classification Scheme 2023. Collection method: clinical testing. Allele origin: germline.
Comment: The p.C1016R variant (also known as c.3046T>C), located in coding exon 23 of the NF1 gene, results from a T to C substitution at nucleotide position 3046. The cysteine at codon 1016 is replaced by arginine, an amino acid with highly dissimilar properties. This variant has been reported in individuals with features consistent with Neurofibromatous type I (Fauth C et al. Eur J Med Genet, 2009 Aug;52:409-14; Demir G&uuml;ndoan B et al. Turk J Med Sci, 2021 Aug; Ambry internal data). This amino acid position is highly conserved in available vertebrate species. In addition, this alteration is predicted to be deleterious by in silico analysis. This variant is considered to be rare based on population cohorts in the Genome Aggregation Database (gnomAD). Based on the supporting evidence, this variant is interpreted as a disease-causing mutation.

Labcorp Genetics (formerly Invitae), Labcorp
Classification: Pathogenic for Neurofibromatosis, type 1. Last evaluated: 2024-06-06. Review status: criteria provided, single submitter. Criteria: Invitae Variant Classification Sherloc (09022015). Collection method: clinical testing. Allele origin: germline.
Comment: This sequence change replaces cysteine, which is neutral and slightly polar, with arginine, which is basic and polar, at codon 1016 of the NF1 protein (p.Cys1016Arg). This variant is not present in population databases (gnomAD no frequency). This missense change has been observed in individual(s) with NF1-related conditions (PMID: 19665063, 25541118; Invitae). In at least one individual the variant was observed to be de novo. ClinVar contains an entry for this variant (Variation ID: 237543). Advanced modeling of protein sequence and biophysical properties (such as structural, functional, and spatial information, amino acid conservation, physicochemical variation, residue mobility, and thermodynamic stability) performed at Invitae indicates that this missense variant is expected to disrupt NF1 protein function with a positive predictive value of 95%. For these reasons, this variant has been classified as Pathogenic.

Genome-Nilou Lab
Classification: Pathogenic for Neurofibromatosis, type 1. Last evaluated: 2022-03-15. Review status: criteria provided, single submitter. Criteria: ACMG Guidelines, 2015. Collection method: clinical testing. Allele origin: germline. Affected: no.

Center for Human Genetics, Inc
Classification: Pathogenic for Neurofibromatosis, type 1. Last evaluated: 2016-11-01. Review status: criteria provided, single submitter. Criteria: ACMG Guidelines, 2015. Collection method: clinical testing. Allele origin: germline. Affected: yes.

Literature cited by the submitters: PubMed 19665063 (cited by Ambry Genetics and Labcorp Genetics (formerly Invitae), Labcorp); PubMed 34392670 (cited by Ambry Genetics); PubMed 25541118 (cited by Labcorp Genetics (formerly Invitae), Labcorp).

NM_001042492.3(NF1):c.3046T>C (p.Cys1016Arg)

Gene: NF1 (neurofibromin 1; plus strand). Cytogenetic location: 17q11.2.
Variant type: single nucleotide variant.
Coding change: c.3046T>C on transcript NM_001042492.3 (MANE Select); coding-DNA position 3046, T replaced by C.
Protein change: p.Cys1016Arg; replaces cysteine 1016 with arginine.
Molecular consequence: missense variant.
Genome position (GRCh38, 1-based): chr17:31,230,315, T>C. VCF-style: chr17-31230315-T-C. GRCh37 (hg19) VCF-style: chr17-29557333-T-C.
Other names: c.3046T>C, p.Cys1016Arg (NM_000267.4); short protein forms C1016R.
Identifiers: ClinVar variation 237543 (VCV000237543.7), dbSNP rs878853880, ClinGen allele CA10583489.